The following is an entry in ClinVar:

NM_001035.3(RYR2):c.42G>A (p.Leu14=)

Gene: RYR2 (ryanodine receptor 2; plus strand). Cytogenetic location: 1q43.
Variant type: single nucleotide variant.
Coding change: c.42G>A on transcript NM_001035.3 (MANE Select); coding-DNA position 42, G replaced by A.
Protein change: p.Leu14=; no amino-acid change (leucine 14 retained).
Molecular consequence: synonymous variant.
Genome position (GRCh38, 1-based): chr1:237,042,563, G>A. VCF-style: chr1-237042563-G-A. GRCh37 (hg19) VCF-style: chr1-237205863-G-A.
Identifiers: ClinVar variation 3074990 (VCV003074990.1), dbSNP rs1558130369, ClinGen allele CA423860077.

ClinVar aggregate classification (germline): Likely benign (1 of 4 stars; one submission).

Conditions:
Catecholaminergic polymorphic ventricular tachycardia (CVPT). Also called: Catecholamine-induced polymorphic ventricular tachycardia. Identifiers: Orphanet 3286, MedGen C5574922, MONDO:0017990.

Submission:

All of Us Research Program, National Institutes of Health
Classification: Likely benign for Catecholaminergic polymorphic ventricular tachycardia. Last evaluated: 2023-12-13. Review status: criteria provided, single submitter. Criteria: ACMG Guidelines, 2015. Collection method: clinical testing. Allele origin: germline. Inheritance: Autosomal dominant inheritance. Observed: 1 variant allele, 1 heterozygote.
Comment: This study involves interpretation of variants in research participants for the purpose of population health screening. Participant phenotype was not available at the time of variant classification. Additional details can be found in publication PMID: 35346344, PMCID: PMC8962531